The following is an entry in ClinVar:

NC_000015.10:g.84817145C>G

Gene: ALPK3 (alpha kinase 3; plus strand). Cytogenetic location: 15q25.3.
Variant type: single nucleotide variant.
Genome position: GRCh38 VCF-style: chr15-84817145-C-G. GRCh37 (hg19) VCF-style: chr15-85360376-C-G.
Identifiers: ClinVar variation 3690181 (VCV003690181.2).

ClinVar aggregate classification (germline): Uncertain significance (1 of 4 stars; one submission).

Submission:

Labcorp Genetics (formerly Invitae), Labcorp
Classification: Uncertain significance. Last evaluated: 2024-07-21. Review status: criteria provided, single submitter. Criteria: Invitae Variant Classification Sherloc (09022015). Collection method: clinical testing. Allele origin: germline.
Comment: This sequence change replaces proline, which is neutral and non-polar, with arginine, which is basic and polar, at codon 100 of the ALPK3 protein (p.Pro100Arg). The frequency data for this variant in the population databases is considered unreliable, as metrics indicate poor data quality at this position in the gnomAD database. This variant has not been reported in the literature in individuals affected with ALPK3-related conditions. An algorithm developed to predict the effect of missense changes on protein structure and function (PolyPhen-2) suggests that this variant is likely to be disruptive. In summary, the available evidence is currently insufficient to determine the role of this variant in disease. Therefore, it has been classified as a Variant of Uncertain Significance.